The following is an entry in ClinVar:

NM_001042492.3(NF1):c.7278T>C (p.Cys2426=)

Gene: NF1 (neurofibromin 1; plus strand). Cytogenetic location: 17q11.2.
Variant type: single nucleotide variant.
Coding change: c.7278T>C on transcript NM_001042492.3 (MANE Select); coding-DNA position 7278, T replaced by C.
Protein change: p.Cys2426=; no amino-acid change (cysteine 2426 retained).
Molecular consequence: synonymous variant.
Genome position (GRCh38, 1-based): chr17:31,349,208, T>C. VCF-style: chr17-31349208-T-C. GRCh37 (hg19) VCF-style: chr17-29676226-T-C.
Other names: c.7215T>C, p.Cys2405= (NM_000267.4).
Identifiers: ClinVar variation 1648761 (VCV001648761.12), dbSNP rs1567623508, ClinGen allele CA499239118.
Genomic context (GRCh38, chr17:31,349,208, plus strand): 5'-TGCAAGAACAGTCAGAATTTTACATACACTACTAACTCTGGTTAACAAACACAGAAATTG[T>C]GACAAATTTGAAGTGAATACACAGAGCGTGGCCTACTTAGCAGGTAAAAACACAAAATAA-3'
Protein context (NP_001035957.1, residues 2416-2436): LLTLVNKHRN[Cys2426=]DKFEVNTQSV

ClinVar aggregate classification (germline): Conflicting classifications of pathogenicity. Review status: criteria provided, conflicting classifications (1 of 4 stars). 4 submissions from 4 submitters: Uncertain significance (1); Benign (1); Likely benign (2). Last evaluated 2026-09-28.

Conditions:
Cardiovascular phenotype. Identifiers: MedGen CN230736.
Hereditary cancer-predisposing syndrome. Also called: Neoplastic Syndromes, Hereditary; Tumor predisposition; Hereditary Cancer Syndrome; Hereditary neoplastic syndrome. Identifiers: Orphanet 140162, MedGen C0027672, MeSH D009386, MONDO:0015356.
Neurofibromatosis, type 1 (NF1). Also called: NEUROFIBROMATOSIS, TYPE I, SOMATIC; Neurofibromatosis, type I; VON RECKLINGHAUSEN DISEASE; Peripheral type neurofibromatosis. Identifiers: Orphanet 636, MedGen C0027831, MONDO:0018975, OMIM 162200. Disease mechanism: loss of function.

Allele frequency attached by ClinVar (database versions not stated): gnomAD exomes below 0.00001.
gnomAD v4.1: 1 of 1,613,618 alleles (0.000062%); highest among the groups gnomAD compares: South Asian, 0.0011%; no homozygotes.

Submissions (4):

Myriad Genetics, Inc.
Classification: Benign for Neurofibromatosis, type 1. Last evaluated: 2026-09-28. Review status: criteria provided, single submitter. Criteria: Myriad Autosomal Dominant, Autosomal Recessive and X-Linked Classification Criteria (2023). Collection method: clinical testing. Allele origin: unknown.
Comment: This variant is considered benign. This variant is a silent/synonymous amino acid change and it is not expected to impact splicing.

GeneDx
Classification: Uncertain significance. Last evaluated: 2024-01-03. Review status: criteria provided, single submitter. Criteria: GeneDx Variant Classification Process June 2021. Collection method: clinical testing. Allele origin: germline. Affected: yes.
Comment: Not observed at significant frequency in large population cohorts (gnomAD); In silico analysis supports that this variant does not alter splicing; Has not been previously published as pathogenic or benign to our knowledge

Labcorp Genetics (formerly Invitae), Labcorp
Classification: Likely benign for Neurofibromatosis, type 1. Last evaluated: 2023-08-17. Review status: criteria provided, single submitter. Criteria: Invitae Variant Classification Sherloc (09022015). Collection method: clinical testing. Allele origin: germline.

Ambry Genetics
Classification: Likely benign for Cardiovascular phenotype; Hereditary cancer-predisposing syndrome. Last evaluated: 2021-04-28. Review status: criteria provided, single submitter. Criteria: Ambry Variant Classification Scheme 2023. Collection method: clinical testing. Allele origin: germline.